The following is an entry in ClinVar:

ClinVar aggregate classification (germline): Pathogenic (1 of 4 stars; one submission).

Conditions:
Autosomal recessive limb-girdle muscular dystrophy type 2A (LGMDR1). Also called: Limb-girdle muscular dystrophy, type 2A; LEYDEN-MOEBIUS MUSCULAR DYSTROPHY; MUSCULAR DYSTROPHY, PELVOFEMORAL; Calpainopathy; Muscular dystrophy, limb-girdle, type 2A, Amish. Identifiers: Orphanet 267, MedGen C1869123, MONDO:0009675, OMIM 253600. Disease mechanism: loss of function.

Submission:

Labcorp Genetics (formerly Invitae), Labcorp
Classification: Pathogenic for Autosomal recessive limb-girdle muscular dystrophy type 2A. Last evaluated: 2024-01-07. Review status: criteria provided, single submitter. Criteria: Invitae Variant Classification Sherloc (09022015). Collection method: clinical testing. Allele origin: germline.
Comment: This variant is a gross deletion of the genomic region encompassing exon(s) 2-8 of the CAPN3 gene. This deletion is out-of-frame, and is expected to create a premature termination codon and result in an absent or disrupted protein product. Loss-of-function variants in CAPN3 are known to be pathogenic (PMID: 10330340, 15689361). A similar copy number variant has been observed in individual(s) with autosomal recessive limb-girdle muscular dystrophy (PMID: 17318636, 17979987, 21896784). In at least one individual the data is consistent with being in trans (on the opposite chromosome) from a pathogenic variant. For these reasons, this variant has been classified as Pathogenic.

Literature cited by the submitters: PubMed 10330340; PubMed 15689361; PubMed 17318636; PubMed 17979987; PubMed 21896784.

NC_000015.9:g.(?_42676661)_(42686559_?)del

Gene: CAPN3 (calpain 3; plus strand). Cytogenetic location: 15q15.1.
Variant type: Deletion.
Identifiers: ClinVar variation 1458584 (VCV001458584.7).